The following is an entry in ClinVar:

ClinVar aggregate classification (germline): Uncertain significance (1 of 4 stars; one submission).

Submission:

GeneDx
Classification: Uncertain significance. Last evaluated: 2022-01-05. Review status: criteria provided, single submitter. Criteria: GeneDx Variant Classification Process June 2021. Collection method: clinical testing. Allele origin: germline. Affected: yes.
Comment: Not observed at significant frequency in large population cohorts (gnomAD); In silico analysis supports that this missense variant does not alter protein structure/function; Has not been previously published as pathogenic or benign to our knowledge

NM_001348768.2(HECW2):c.1870A>G (p.Ser624Gly)

Gene: HECW2 (HECT, C2 and WW domain containing E3 ubiquitin protein ligase 2; minus strand). Cytogenetic location: 2q32.3.
Variant type: single nucleotide variant.
Coding change: c.1870A>G on transcript NM_001348768.2 (MANE Select); coding-DNA position 1870, A replaced by G.
Protein change: p.Ser624Gly; replaces serine 624 with glycine.
Molecular consequence: missense variant.
Genome position (GRCh38, 1-based): chr2:196,319,020, T>C on the plus strand (A>G on the coding strand, the complement: HECW2 is on the minus strand). VCF-style: chr2-196319020-T-C. GRCh37 (hg19) VCF-style: chr2-197183744-T-C.
Other names: c.802A>G, p.Ser268Gly (NM_001304840.3); c.1870A>G, p.Ser624Gly (NM_020760.4); short protein forms S268G, S624G.
Identifiers: ClinVar variation 1695597 (VCV001695597.2), dbSNP rs2105755743, ClinGen allele CA349965177.